The following is an entry in ClinVar:

NM_000051.4(ATM):c.9065A>G (p.Glu3022Gly)

Genes: ATM (ATM serine/threonine kinase; plus strand), C11orf65 (chromosome 11 open reading frame 65; minus strand). Cytogenetic location: 11q22.3.
Variant type: single nucleotide variant.
Coding change: c.9065A>G on transcript NM_000051.4 (MANE Select); coding-DNA position 9065, A replaced by G.
Protein change: p.Glu3022Gly; replaces glutamic acid 3022 with glycine.
Molecular consequence: missense variant. On other transcripts: intron variant (2).
Genome position (GRCh38, 1-based): chr11:108,365,402, A>G. VCF-style: chr11-108365402-A-G. GRCh37 (hg19) VCF-style: chr11-108236129-A-G.
Other names: c.9065A>G, p.Glu3022Gly (NM_001351834.2); c.640+20518T>C (NM_001330368.2); c.694+20518T>C (NM_001351110.2); short protein forms E3022G.
Identifiers: ClinVar variation 3373621 (VCV003373621.1).

ClinVar aggregate classification (germline): Uncertain significance (1 of 4 stars; one submission).

Submission:

GeneDx
Classification: Uncertain significance. Last evaluated: 2024-03-06. Review status: criteria provided, single submitter. Criteria: GeneDx Variant Classification Process June 2021. Collection method: clinical testing. Allele origin: germline. Affected: yes.
Comment: Not observed at significant frequency in large population cohorts (gnomAD); In silico analysis supports that this missense variant has a deleterious effect on protein structure/function; Has not been previously published as pathogenic or benign to our knowledge; This variant is associated with the following publications: (PMID: 23532176)